The following is an entry in ClinVar:

NM_015443.4(KANSL1):c.353A>G (p.Tyr118Cys)

Gene: KANSL1 (KAT8 regulatory NSL complex subunit 1). Cytogenetic location: 17q21.31.
Variant type: single nucleotide variant.
Coding change: c.353A>G on transcript NM_015443.4 (MANE Select); coding-DNA position 353, A replaced by G.
Protein change: p.Tyr118Cys; replaces tyrosine 118 with cysteine.
Molecular consequence: missense variant.
Genome position (GRCh38, 1-based): chr17:46,171,791, T>C on the plus strand (A>G on the coding strand, the complement: KANSL1 is on the minus strand). VCF-style: chr17-46171791-T-C. GRCh37 (hg19) VCF-style: chr17-44249157-T-C.
Other names: c.353A>G, p.Tyr118Cys (NM_001193465.2, NM_001193466.2, NM_001379198.1); short protein forms Y118C.
Identifiers: ClinVar variation 380382 (VCV000380382.4), dbSNP rs781582912, ClinGen allele CA8619065.

ClinVar aggregate classification (germline): Conflicting classifications of pathogenicity. Review status: criteria provided, conflicting classifications (1 of 4 stars). 3 submissions from 3 submitters: Uncertain significance (2); Likely benign (1). Last evaluated 2024-04-10.

Conditions:
Koolen-de Vries syndrome (KDVS). Identifiers: Orphanet 96169, MedGen C1864871, MONDO:0012496, OMIM 610443.

Allele frequency attached by ClinVar (database versions not stated): gnomAD 0.00001; ExAC 0.00002; gnomAD exomes 0.00002; TOPMed 0.00004.
gnomAD v4.1: 24 of 1,613,038 alleles (0.0015%); highest among the groups gnomAD compares: Admixed American, 0.0067%; no homozygotes.

Submissions (3):

Fulgent Genetics
Classification: Uncertain significance for Koolen-de Vries syndrome. Last evaluated: 2024-04-10. Review status: criteria provided, single submitter. Criteria: ACMG Guidelines, 2015. Collection method: clinical testing. Allele origin: germline.

Labcorp Genetics (formerly Invitae), Labcorp
Classification: Uncertain significance for Koolen-de Vries syndrome. Last evaluated: 2021-07-22. Review status: criteria provided, single submitter. Criteria: Invitae Variant Classification Sherloc (09022015). Collection method: clinical testing. Allele origin: germline.
Comment: Due to the possible presence of a polymorphic segmental duplication, the location of the variant could not be unambiguously resolved. Variants with ambiguous mapping are still reported relative to the KANSL1 transcript. This sequence change replaces tyrosine with cysteine at codon 118 of the KANSL1 protein (p.Tyr118Cys). The tyrosine residue is highly conserved and there is a large physicochemical difference between tyrosine and cysteine. The frequency data for this variant in the population databases (ExAC) is considered unreliable due to the presence of homologous sequence, such as pseudogenes or paralogs, in the genome. This variant has not been reported in the literature in individuals with KANSL1-related conditions. ClinVar contains an entry for this variant (Variation ID: 380382). Algorithms developed to predict the effect of missense changes on protein structure and function (SIFT, PolyPhen-2, Align-GVGD) all suggest that this variant is likely to be disruptive. Until the location of this sequence change can be resolved, the clinical significance of this variant remains uncertain. It has been classified as a Variant of Uncertain Significance.

GeneDx
Classification: Likely benign. Last evaluated: 2015-08-03. Review status: criteria provided, single submitter. Criteria: GeneDx Variant Classification (06012015). Collection method: clinical testing. Allele origin: germline. Affected: yes.
Comment: This variant is considered likely benign or benign based on one or more of the following criteria: it is a conservative change, it occurs at a poorly conserved position in the protein, it is predicted to be benign by multiple in silico algorithms, and/or has population frequency not consistent with disease.